The following is an entry in ClinVar:

NM_000059.4(BRCA2):c.6677A>G (p.Glu2226Gly)

Gene: BRCA2 (BRCA2 DNA repair associated; plus strand). Cytogenetic location: 13q13.1.
Variant type: single nucleotide variant.
Coding change: c.6677A>G on transcript NM_000059.4 (MANE Select); coding-DNA position 6677, A replaced by G.
Protein change: p.Glu2226Gly; replaces glutamic acid 2226 with glycine.
Molecular consequence: missense variant.
Genome position (GRCh38, 1-based): chr13:32,341,032, A>G. VCF-style: chr13-32341032-A-G. GRCh37 (hg19) VCF-style: chr13-32915169-A-G.
Other names: short protein forms E2226G.
Identifiers: ClinVar variation 462410 (VCV000462410.20), dbSNP rs1281267586, ClinGen allele CA387790549.

ClinVar aggregate classification (germline): Conflicting classifications of pathogenicity. Review status: criteria provided, conflicting classifications (1 of 4 stars). 5 submissions from 5 submitters: Uncertain significance (4); Likely benign (1). Last evaluated 2025-08-03.

Conditions:
Hereditary breast ovarian cancer syndrome. Also called: BRCA1- and BRCA2-Associated Hereditary Breast and Ovarian Cancer; Hereditary breast and ovarian cancer syndrome; Hereditary breast and/or ovarian cancer syndrome; Hereditary breast and ovarian cancer syndrome (HBOC); Hereditary breast and ovarian cancer; Breast and ovarian cancer. Identifiers: Orphanet 145, MedGen C0677776, MeSH D061325, MONDO:0003582. Disease mechanism: loss of function.
Hereditary cancer-predisposing syndrome. Also called: Hereditary neoplastic syndrome; Neoplastic Syndromes, Hereditary; Hereditary Cancer Syndrome; Tumor predisposition. Identifiers: Orphanet 140162, MedGen C0027672, MeSH D009386, MONDO:0015356.

Allele frequency attached by ClinVar (database versions not stated): gnomAD exomes below 0.00001.
gnomAD v4.1: 1 of 1,613,852 alleles (0.000062%); highest among the groups gnomAD compares: African/African-American, 0.0013%; no homozygotes.

Submissions (5):

Labcorp Genetics (formerly Invitae), Labcorp
Classification: Uncertain significance for Hereditary breast ovarian cancer syndrome. Last evaluated: 2025-08-03. Review status: criteria provided, single submitter. Criteria: Invitae Variant Classification Sherloc (09022015). Collection method: clinical testing. Allele origin: germline.
Comment: This sequence change replaces glutamic acid, which is acidic and polar, with glycine, which is neutral and non-polar, at codon 2226 of the BRCA2 protein (p.Glu2226Gly). This variant is present in population databases (no rsID available, gnomAD 0.007%). This variant has not been reported in the literature in individuals affected with BRCA2-related conditions. ClinVar contains an entry for this variant (Variation ID: 462410). Invitae Evidence Modeling of protein sequence and biophysical properties (such as structural, functional, and spatial information, amino acid conservation, physicochemical variation, residue mobility, and thermodynamic stability) indicates that this missense variant is not expected to disrupt BRCA2 protein function with a negative predictive value of 95%. In summary, the available evidence is currently insufficient to determine the role of this variant in disease. Therefore, it has been classified as a Variant of Uncertain Significance.

Ambry Genetics
Classification: Uncertain significance for Hereditary cancer-predisposing syndrome. Last evaluated: 2025-01-17. Review status: criteria provided, single submitter. Criteria: Ambry Variant Classification Scheme 2023. Collection method: clinical testing. Allele origin: germline.
Comment: The p.E2226G variant (also known as c.6677A>G), located in coding exon 10 of the BRCA2 gene, results from an A to G substitution at nucleotide position 6677. The glutamic acid at codon 2226 is replaced by glycine, an amino acid with similar properties. This amino acid position is highly conserved in available vertebrate species. In addition, the in silico prediction for this alteration is inconclusive. Since supporting evidence is limited at this time, the clinical significance of this alteration remains unclear.

University of Washington Department of Laboratory Medicine, University of Washington
Classification: Likely benign for Hereditary cancer-predisposing syndrome. Last evaluated: 2023-03-23. Review status: criteria provided, single submitter. Criteria: Dines et al. (Genet Med. 2020). Collection method: curation. Allele origin: germline.
Comment: Missense variant in a coldspot region where missense variants are very unlikely to be pathogenic (PMID:31911673).

BRCA2 exon 11 coldspot. Reclassification based on statistical prior probability.

GeneDx
Classification: Uncertain significance. Last evaluated: 2022-08-26. Review status: criteria provided, single submitter. Criteria: GeneDx Variant Classification Process June 2021. Collection method: clinical testing. Allele origin: germline. Affected: yes.
Comment: Not observed at significant frequency in large population cohorts (gnomAD); In silico analysis supports that this missense variant does not alter protein structure/function; Has not been previously published as pathogenic or benign to our knowledge

Blueprint Genetics
Classification: Uncertain significance. Last evaluated: 2020-01-20. Review status: criteria provided, single submitter. Criteria: ACMG Guidelines, 2015. Collection method: clinical testing. Allele origin: germline.